The following is an entry in ClinVar:

NM_001291303.3(FAT4):c.11587A>G (p.Ile3863Val)

Gene: FAT4 (FAT atypical cadherin 4; plus strand). Cytogenetic location: 4q28.1.
Variant type: single nucleotide variant.
Coding change: c.11587A>G on transcript NM_001291303.3 (MANE Select); coding-DNA position 11587, A replaced by G.
Protein change: p.Ile3863Val; replaces isoleucine 3863 with valine.
Molecular consequence: missense variant.
Genome position (GRCh38, 1-based): chr4:125,452,597, A>G. VCF-style: chr4-125452597-A-G. GRCh37 (hg19) VCF-style: chr4-126373752-A-G.
Other names: c.11587A>G, p.Ile3863Val (NM_001291285.3); c.11581A>G, p.Ile3861Val (NM_024582.6); c.11581A>G (NM_024582.4); short protein forms I3861V, I3863V.
Identifiers: ClinVar variation 1480437 (VCV001480437.9), dbSNP rs2126062361, ClinGen allele CA358163201.

ClinVar aggregate classification (germline): Uncertain significance. Review status: criteria provided, multiple submitters, no conflicts (2 of 4 stars). 2 submissions from 2 submitters: Uncertain significance (2). Last evaluated 2025-04-14.

Conditions:
Inborn genetic diseases. Identifiers: MedGen C0950123, MeSH D030342.

Allele frequency attached by ClinVar (database versions not stated): gnomAD exomes 0.00001.
gnomAD v4.1: 12 of 1,614,160 alleles (0.00074%); highest among the groups gnomAD compares: South Asian, 0.0011%; no homozygotes.

Submissions (2):

Ambry Genetics
Classification: Uncertain significance for Inborn genetic diseases. Last evaluated: 2025-04-14. Review status: criteria provided, single submitter. Criteria: Ambry Variant Classification Scheme 2023. Collection method: clinical testing. Allele origin: germline.

Labcorp Genetics (formerly Invitae), Labcorp
Classification: Uncertain significance. Last evaluated: 2021-05-31. Review status: criteria provided, single submitter. Criteria: Invitae Variant Classification Sherloc (09022015). Collection method: clinical testing. Allele origin: germline.
Comment: Advanced modeling of protein sequence and biophysical properties (such as structural, functional, and spatial information, amino acid conservation, physicochemical variation, residue mobility, and thermodynamic stability) performed at Invitae indicates that this missense variant is not expected to disrupt FAT4 protein function. In summary, the available evidence is currently insufficient to determine the role of this variant in disease. Therefore, it has been classified as a Variant of Uncertain Significance. This variant has not been reported in the literature in individuals with FAT4-related conditions. This variant is not present in population databases (ExAC no frequency). This sequence change replaces isoleucine with valine at codon 3861 of the FAT4 protein (p.Ile3861Val). The isoleucine residue is moderately conserved and there is a small physicochemical difference between isoleucine and valine.